The following is an entry in ClinVar:

NM_000434.4(NEU1):c.50C>T (p.Pro17Leu)

Gene: NEU1 (neuraminidase 1; minus strand). Cytogenetic location: 6p21.33.
Variant type: single nucleotide variant.
Coding change: c.50C>T on transcript NM_000434.4 (MANE Select); coding-DNA position 50, C replaced by T.
Protein change: p.Pro17Leu; replaces proline 17 with leucine.
Molecular consequence: missense variant.
Genome position (GRCh38, 1-based): chr6:31,862,727, G>A on the plus strand (C>T on the coding strand, the complement: NEU1 is on the minus strand). VCF-style: chr6-31862727-G-A. GRCh37 (hg19) VCF-style: chr6-31830504-G-A.
Other names: c.50C>T (NM_000434.3); short protein forms P17L.
Identifiers: ClinVar variation 2057709 (VCV002057709.2), dbSNP rs550598216, ClinGen allele CA3725110.

ClinVar aggregate classification (germline): Conflicting classifications of pathogenicity. Review status: criteria provided, conflicting classifications (1 of 4 stars). 2 submissions from 2 submitters: Uncertain significance (1); Likely benign (1). Last evaluated 2025-08-01.

Conditions:
Inborn genetic diseases. Identifiers: MedGen C0950123, MeSH D030342.

Allele frequency attached by ClinVar (database versions not stated): gnomAD exomes 0.00001; ExAC 0.00002; TOPMed 0.00003; gnomAD 0.00005; 1000 Genomes Project 30x 0.00016; 1000 Genomes Project 0.00020.
gnomAD v4.1: 16 of 1,613,028 alleles (0.00099%); highest among the groups gnomAD compares: African/African-American, 0.02%; no homozygotes.

Submissions (2):

Ambry Genetics
Classification: Likely benign for Inborn genetic diseases. Last evaluated: 2025-08-01. Review status: criteria provided, single submitter. Criteria: Ambry Variant Classification Scheme 2023. Collection method: clinical testing. Allele origin: germline.

Labcorp Genetics (formerly Invitae), Labcorp
Classification: Uncertain significance. Last evaluated: 2022-08-22. Review status: criteria provided, single submitter. Criteria: Invitae Variant Classification Sherloc (09022015). Collection method: clinical testing. Allele origin: germline.
Comment: This sequence change replaces proline, which is neutral and non-polar, with leucine, which is neutral and non-polar, at codon 17 of the NEU1 protein (p.Pro17Leu). This variant is present in population databases (rs550598216, gnomAD 0.04%). This variant has not been reported in the literature in individuals affected with NEU1-related conditions. Algorithms developed to predict the effect of missense changes on protein structure and function output the following: SIFT: "Deleterious"; PolyPhen-2: "Benign"; Align-GVGD: "Class C0". The leucine amino acid residue is found in multiple mammalian species, which suggests that this missense change does not adversely affect protein function. In summary, the available evidence is currently insufficient to determine the role of this variant in disease. Therefore, it has been classified as a Variant of Uncertain Significance.